The following is an entry in ClinVar:

ClinVar aggregate classification (germline): Uncertain significance (1 of 4 stars; one submission).

Submission:

Labcorp Genetics (formerly Invitae), Labcorp
Classification: Uncertain significance. Last evaluated: 2025-09-23. Review status: criteria provided, single submitter. Criteria: Invitae Variant Classification Sherloc (09022015). Collection method: clinical testing. Allele origin: germline.
Comment: This sequence change replaces threonine, which is neutral and polar, with alanine, which is neutral and non-polar, at codon 411 of the TCF3 protein (p.Thr411Ala). This variant is not present in population databases (gnomAD no frequency). This variant has not been reported in the literature in individuals affected with TCF3-related conditions. Invitae Evidence Modeling of protein sequence and biophysical properties (such as structural, functional, and spatial information, amino acid conservation, physicochemical variation, residue mobility, and thermodynamic stability) indicates that this missense variant is not expected to disrupt TCF3 protein function with a negative predictive value of 80%. In summary, the available evidence is currently insufficient to determine the role of this variant in disease. Therefore, it has been classified as a Variant of Uncertain Significance.

NM_003200.5(TCF3):c.1231A>G (p.Thr411Ala)

Gene: TCF3 (transcription factor 3; minus strand). Cytogenetic location: 19p13.3.
Variant type: single nucleotide variant.
Coding change: c.1231A>G on transcript NM_003200.5 (MANE Select); coding-DNA position 1231, A replaced by G.
Protein change: p.Thr411Ala; replaces threonine 411 with alanine.
Molecular consequence: missense variant.
Genome position (GRCh38, 1-based): chr19:1,619,411, T>C on the plus strand (A>G on the coding strand, the complement: TCF3 is on the minus strand). VCF-style: chr19-1619411-T-C. GRCh37 (hg19) VCF-style: chr19-1619410-T-C.
Other names: c.1231A>G, p.Thr411Ala (NM_001136139.4, NM_001351779.2); c.1228A>G, p.Thr410Ala (NM_001351778.2); short protein forms T411A, T410A.
Identifiers: ClinVar variation 4740883 (VCV004740883.1).
Genomic context (GRCh38, chr19:1,619,411, plus strand): 5'-CGGTGAAACCTGAGGCCAGCGCCCCGTGGCCAGGCAGCAGCGTGTGCATGTCGCCGGCTG[T>C]GCCCACGGCGTGGCTGCGGAGCACGTGGATGGCCTCGTCCAGGTGGTCTTCTATCTTACT-3'
Protein context (NP_003191.1, residues 401-421): IHVLRSHAVG[Thr411Ala]AGDMHTLLPG